The following is an entry in ClinVar:

NM_002470.4(MYH3):c.460C>T (p.His154Tyr)

Gene: MYH3 (myosin heavy chain 3; minus strand). Cytogenetic location: 17p13.1.
Variant type: single nucleotide variant.
Coding change: c.460C>T on transcript NM_002470.4 (MANE Select); coding-DNA position 460, C replaced by T.
Protein change: p.His154Tyr; replaces histidine 154 with tyrosine.
Molecular consequence: missense variant.
Genome position (GRCh38, 1-based): chr17:10,651,557, G>A on the plus strand (C>T on the coding strand, the complement: MYH3 is on the minus strand). VCF-style: chr17-10651557-G-A. GRCh37 (hg19) VCF-style: chr17-10554874-G-A.
Other names: short protein forms H154Y.
Identifiers: ClinVar variation 3367704 (VCV003367704.2).
Genomic context (GRCh38, chr17:10,651,557, plus strand): 5'-TCCTGGGAAACTCACCAGTCAGCATGAACTGATAGGCGTTGTCAGAGATGGAGAAGATGT[G>A]GGGTGGGGCCTCCTGGCGCTTTTTGCCTCGGTAGCCTTCCACCACCTCGGGGTTGTACAC-3'
Protein context (NP_002461.2, residues 144-164): RGKKRQEAPP[His154Tyr]IFSISDNAYQ

ClinVar aggregate classification (germline): Uncertain significance (1 of 4 stars; one submission).

Submission:

GeneDx
Classification: Uncertain significance. Last evaluated: 2026-08-20. Review status: criteria provided, single submitter. Criteria: GeneDx Variant Classification Process June 2021. Collection method: clinical testing. Allele origin: germline.
Comment: Not observed at significant frequency in large population cohorts (gnomAD); In silico analysis supports that this missense variant has a deleterious effect on protein structure/function; Has not been previously published as pathogenic or benign to our knowledge; This variant is associated with the following publications: (PMID: 40663516)